The following is an entry in ClinVar:

NM_004006.3(DMD):c.5986G>A (p.Val1996Met)

Gene: DMD (dystrophin; minus strand). Cytogenetic location: Xp21.1.
Variant type: single nucleotide variant.
Coding change: c.5986G>A on transcript NM_004006.3 (MANE Select); coding-DNA position 5986, G replaced by A.
Protein change: p.Val1996Met; replaces valine 1996 with methionine.
Molecular consequence: missense variant.
Genome position (GRCh38, 1-based): chrX:32,310,213, C>T on the plus strand (G>A on the coding strand, the complement: DMD is on the minus strand). VCF-style: chrX-32310213-C-T. GRCh37 (hg19) VCF-style: chrX-32328330-C-T.
Other names: c.5962G>A, p.Val1988Met (NM_000109.4); c.5974G>A, p.Val1992Met (NM_004009.3); c.5617G>A, p.Val1873Met (NM_004010.3); c.1963G>A, p.Val655Met (NM_004011.4); c.1954G>A, p.Val652Met (NM_004012.4); short protein forms V652M, V1988M, V1996M, V655M, V1873M, V1992M.
Identifiers: ClinVar variation 1368708 (VCV001368708.9), dbSNP rs2097556758, ClinGen allele CA412669950.
Genomic context (GRCh38, chrX:32,310,213, plus strand): 5'-GTTCCACTTCTAATAGGGCTTGTGAGACATGAGTGATTTCAGTCAAATAAGTAGAAGGCA[C>T]ATAAGAAATTTCCAAAGGCATGTCTTCAGTCATCACCATCATCGTTTCTTCACGGACAGT-3'
Protein context (NP_003997.2, residues 1986-2006): TEDMPLEISY[Val1996Met]PSTYLTEITH

ClinVar aggregate classification (germline): Uncertain significance. Review status: criteria provided, multiple submitters, no conflicts (2 of 4 stars). 3 submissions from 3 submitters: Uncertain significance (3). Last evaluated 2026-03-10.

Conditions:
Duchenne muscular dystrophy (DMD). Also called: MUSCULAR DYSTROPHY, PSEUDOHYPERTROPHIC PROGRESSIVE, DUCHENNE TYPE; Duchenne Muscular Dystrophy (DMD). Identifiers: Orphanet 98896, MedGen C0013264, MONDO:0010679, OMIM 310200.
Cardiovascular phenotype. Identifiers: MedGen CN230736.

Allele frequency attached by ClinVar (database versions not stated): gnomAD exomes below 0.00001; gnomAD 0.00001; TOPMed 0.00001.
gnomAD v4.1: 3 of 1,207,623 alleles (0.00025%); highest among the groups gnomAD compares: Non-Finnish European, 0.00034%; no homozygotes.

Submissions (3):

Ambry Genetics
Classification: Uncertain significance for Cardiovascular phenotype. Last evaluated: 2026-03-10. Review status: criteria provided, single submitter. Criteria: Ambry Variant Classification Scheme 2023. Collection method: clinical testing. Allele origin: germline.

Labcorp Genetics (formerly Invitae), Labcorp
Classification: Uncertain significance for Duchenne muscular dystrophy. Last evaluated: 2023-09-21. Review status: criteria provided, single submitter. Criteria: Invitae Variant Classification Sherloc (09022015). Collection method: clinical testing. Allele origin: germline.
Comment: This variant is not present in population databases (gnomAD no frequency). This sequence change replaces valine, which is neutral and non-polar, with methionine, which is neutral and non-polar, at codon 1996 of the DMD protein (p.Val1996Met). This variant has not been reported in the literature in individuals affected with DMD-related conditions. ClinVar contains an entry for this variant (Variation ID: 1368708). Advanced modeling of protein sequence and biophysical properties (such as structural, functional, and spatial information, amino acid conservation, physicochemical variation, residue mobility, and thermodynamic stability) performed at Invitae indicates that this missense variant is not expected to disrupt DMD protein function. In summary, the available evidence is currently insufficient to determine the role of this variant in disease. Therefore, it has been classified as a Variant of Uncertain Significance.

Women's Health and Genetics/Laboratory Corporation of America, LabCorp
Classification: Uncertain significance. Last evaluated: 2022-03-18. Review status: criteria provided, single submitter. Criteria: LabCorp Variant Classification Summary - May 2015. Collection method: clinical testing. Allele origin: germline.